The following is an entry in ClinVar:

ClinVar aggregate classification (germline): Uncertain significance. Review status: criteria provided, multiple submitters, no conflicts (2 of 4 stars). 2 submissions from 2 submitters: Uncertain significance (2). Last evaluated 2025-10-18.

Conditions:
Inborn genetic diseases. Identifiers: MedGen C0950123, MeSH D030342.
Sengers syndrome. Also called: MITOCHONDRIAL DNA DEPLETION SYNDROME 10 (CARDIOMYOPATHIC TYPE); Cardiomyopathy and cataract. Identifiers: Orphanet 1369, MedGen C1859317, MONDO:0008922, OMIM 212350.
Cataract 38. Also called: Cataract 38, autosomal recessive; Cataract, autosomal recessive congenital 5. Identifiers: Orphanet 91492, MedGen C3553494, MONDO:0013859, OMIM 614691.

Submissions (2):

Ambry Genetics
Classification: Uncertain significance for Inborn genetic diseases. Last evaluated: 2025-10-18. Review status: criteria provided, single submitter. Criteria: Ambry Variant Classification Scheme 2023. Collection method: clinical testing. Allele origin: germline.

Labcorp Genetics (formerly Invitae), Labcorp
Classification: Uncertain significance for Sengers syndrome; Cataract 38. Last evaluated: 2020-07-24. Review status: criteria provided, single submitter. Criteria: Invitae Variant Classification Sherloc (09022015). Collection method: clinical testing. Allele origin: germline.
Comment: In summary, the available evidence is currently insufficient to determine the role of this variant in disease. Therefore, it has been classified as a Variant of Uncertain Significance. This sequence change replaces proline with threonine at codon 269 of the AGK protein (p.Pro269Thr). The proline residue is highly conserved and there is a small physicochemical difference between proline and threonine. This variant is not present in population databases (ExAC no frequency). This variant has not been reported in the literature in individuals with AGK-related conditions. Algorithms developed to predict the effect of missense changes on protein structure and function (SIFT, PolyPhen-2, Align-GVGD) all suggest that this variant is likely to be tolerated, but these predictions have not been confirmed by published functional studies and their clinical significance is uncertain.

NM_018238.4(AGK):c.805C>A (p.Pro269Thr)

Gene: AGK (acylglycerol kinase; plus strand). Cytogenetic location: 7q34.
Variant type: single nucleotide variant.
Coding change: c.805C>A on transcript NM_018238.4 (MANE Select); coding-DNA position 805, C replaced by A.
Protein change: p.Pro269Thr; replaces proline 269 with threonine.
Molecular consequence: missense variant.
Genome position (GRCh38, 1-based): chr7:141,641,326, C>A. VCF-style: chr7-141641326-C-A. GRCh37 (hg19) VCF-style: chr7-141341126-C-A.
Other names: c.805C>A, p.Pro269Thr (NM_001364948.3); c.805C>A (NM_018238.3); short protein forms P269T.
Identifiers: ClinVar variation 1051584 (VCV001051584.10), dbSNP rs773675584, ClinGen allele CA369539203.
Genomic context (GRCh38, chr7:141,641,326, plus strand): 5'-CAAGCCTCTATCTCATACACGGGACCTACAGAGAGACCTCCCAATGAACCAGAGGAGACC[C>A]CTGTACAAAGGCCTTCTTTGTACAGGAGAATATTACGAAGGCTTGCGTCCTACTGGGCAC-3'
Protein context (NP_060708.1, residues 259-279): ERPPNEPEET[Pro269Thr]VQRPSLYRRI